The following is an entry in ClinVar:

NM_001370298.3(FGD4):c.658C>T (p.Gln220Ter)

Gene: FGD4 (FYVE, RhoGEF and PH domain containing 4; plus strand). Cytogenetic location: 12p11.21.
Variant type: single nucleotide variant.
Coding change: c.658C>T on transcript NM_001370298.3 (MANE Select); coding-DNA position 658, C replaced by T.
Protein change: p.Gln220Ter; replaces glutamine 220 with a stop codon.
Molecular consequence: nonsense. On other transcripts: 5 prime UTR variant (5), non-coding transcript variant (1), intron variant (1).
Genome position (GRCh38, 1-based): chr12:32,582,114, C>T. VCF-style: chr12-32582114-C-T. GRCh37 (hg19) VCF-style: chr12-32735048-C-T.
Other names: c.502C>T, p.Gln168Ter (NM_001304481.2); c.-598C>T (NM_001304483.2); c.-905C>T (NM_001304484.2); c.-33C>T (NM_001330373.2, NM_001330374.2, NM_001384130.1); c.658C>T, p.Gln220Ter (NM_001384126.1); c.247C>T, p.Gln83Ter (NM_001384127.1, NM_001384128.1, NM_001384131.1 and 3 more transcripts); c.49-16383C>T (NM_001370297.1); short protein forms Q168*, Q220*, Q83*.
Identifiers: ClinVar variation 1163348 (VCV001163348.5), dbSNP rs1307972506, ClinGen allele CA384355843.
Genomic context (GRCh38, chr12:32,582,114, plus strand): 5'-CAACAAAAACTCCTCTCCCAGCACTTGCCACAGAGGCAGGGAAATGATACAGATAAGACT[C>T]AGGGTGCACAGACTTGTGTGGCCAACGGTGTAATGGCAGCACAAAACCAGATGGAATGTG-3'

ClinVar aggregate classification (germline): Likely pathogenic (1 of 4 stars; one submission).

Submission:

Mayo Clinic Laboratories, Mayo Clinic
Classification: Likely pathogenic. Last evaluated: 2019-10-14. Review status: criteria provided, single submitter. Criteria: ACMG Guidelines, 2015. Collection method: clinical testing. Allele origin: germline. Observed: 1 variant allele.
Comment: PVS1, PM2